The following is an entry in ClinVar:

NM_001370.2(DNAH6):c.4737A>G (p.Ala1579=)

Gene: DNAH6 (dynein axonemal heavy chain 6; plus strand). Cytogenetic location: 2p11.2.
Variant type: single nucleotide variant.
Coding change: c.4737A>G on transcript NM_001370.2 (MANE Select); coding-DNA position 4737, A replaced by G.
Protein change: p.Ala1579=; no amino-acid change (alanine 1579 retained).
Molecular consequence: synonymous variant.
Genome position (GRCh38, 1-based): chr2:84,637,293, A>G. VCF-style: chr2-84637293-A-G. GRCh37 (hg19) VCF-style: chr2-84864417-A-G.
Identifiers: ClinVar variation 4986723 (VCV004986723.1).
Genomic context (GRCh38, chr2:84,637,293, plus strand): 5'-GCGGGAAATAAAGTTGGTGATGACTTGTGCAGCCTTCATCACAATGAATCCTGGCTATGC[A>G]GGGAGAACTGAATTGCCAGATAATTTGAAAGCCCTGTTTAGACCATTTGCGATGATGGTT-3'
Protein context (NP_001361.1, residues 1569-1589): AAFITMNPGY[Ala1579=]GRTELPDNLK

ClinVar aggregate classification (germline): Likely benign (1 of 4 stars; one submission).

Conditions:
DNAH6-related disorder. Also called: DNAH6-related condition.

gnomAD v4.1: 20 of 1,551,204 alleles (0.0013%); highest among the groups gnomAD compares: South Asian, 0.0036%; no homozygotes.

Submission:

PreventionGenetics, part of Exact Sciences
Classification: Likely benign for DNAH6-related condition. Last evaluated: 2025-04-08. Review status: criteria provided, single submitter. Criteria: ACMG Guidelines, 2015. Collection method: clinical testing. Allele origin: germline.
Comment: This variant is classified as likely benign based on ACMG/AMP sequence variant interpretation guidelines (Richards et al. 2015 PMID: 25741868, with internal and published modifications).